The following is an entry in ClinVar:

NM_012123.4(MTO1):c.27T>C (p.Arg9=)

Gene: MTO1 (mitochondrial tRNA translation optimization 1; plus strand). Cytogenetic location: 6q13.
Variant type: single nucleotide variant.
Coding change: c.27T>C on transcript NM_012123.4 (MANE Select); coding-DNA position 27, T replaced by C.
Protein change: p.Arg9=; no amino-acid change (arginine 9 retained).
Molecular consequence: synonymous variant.
Genome position (GRCh38, 1-based): chr6:73,461,881, T>C. VCF-style: chr6-73461881-T-C. GRCh37 (hg19) VCF-style: chr6-74171604-T-C.
Other names: p.Arg9=; c.27T>C, p.Arg9= (NM_001123226.2, NM_133645.3).
Identifiers: ClinVar variation 1602807 (VCV001602807.10), dbSNP rs1327873376, ClinGen allele CA451001292.

ClinVar aggregate classification (germline): Likely benign. Review status: criteria provided, multiple submitters, no conflicts (2 of 4 stars). 3 submissions from 3 submitters: Likely benign (3). Last evaluated 2024-10-29.

Conditions:
Mitochondrial hypertrophic cardiomyopathy with lactic acidosis due to MTO1 deficiency. Also called: Combined oxidative phosphorylation deficiency 10; CARDIOMYOPATHY, INFANTILE HYPERTROPHIC MITOCHONDRIAL, AND LACTIC ACIDOSIS. Identifiers: Orphanet 314637, MedGen C4749921, MONDO:0013865, OMIM 614702.

Allele frequency attached by ClinVar (database versions not stated): gnomAD exomes below 0.00001.
gnomAD v4.1: 3 of 1,613,874 alleles (0.00019%); highest among the groups gnomAD compares: African/African-American, 0.0027%; no homozygotes.

Submissions (3):

Labcorp Genetics (formerly Invitae), Labcorp
Classification: Likely benign for Mitochondrial hypertrophic cardiomyopathy with lactic acidosis due to MTO1 deficiency. Last evaluated: 2024-10-29. Review status: criteria provided, single submitter. Criteria: Invitae Variant Classification Sherloc (09022015). Collection method: clinical testing. Allele origin: germline.

Mayo Clinic Laboratories, Mayo Clinic
Classification: Likely benign. Last evaluated: 2024-10-14. Review status: criteria provided, single submitter. Criteria: ACMG Guidelines, 2015. Collection method: clinical testing. Allele origin: germline. Observed: 1 variant allele.
Comment: BP4, BP7

Blueprint Genetics
Classification: Likely benign. Last evaluated: 2024-04-05. Review status: criteria provided, single submitter. Criteria: ACMG Guidelines, 2015. Collection method: clinical testing. Allele origin: germline.